The following is an entry in ClinVar:

NM_000321.3(RB1):c.2490-103_2490-35del

Gene: RB1 (RB transcriptional corepressor 1; plus strand). Cytogenetic location: 13q14.2.
Variant type: Deletion.
Coding change: c.2490-103_2490-35del on transcript NM_000321.3 (MANE Select); 103 bases into the intron before coding-DNA position 2490 through 35 bases into the intron before coding-DNA position 2490, 69 bases deleted.
Molecular consequence: intron variant.
Genome position (GRCh38, 1-based): chr13:48,473,257-48,473,325, 69 bases deleted. GRCh37 (hg19): chr13:49,047,393-49,047,461.
Other names: c.2490-103_2490-35del (NM_001407165.1).
Identifiers: ClinVar variation 3237101 (VCV003237101.1), dbSNP rs2542381387.

ClinVar aggregate classification (germline): Uncertain significance (1 of 4 stars; one submission).

Conditions:
Retinoblastoma (RB1). Also called: RETINOBLASTOMA, SOMATIC. Identifiers: Orphanet 790, MedGen C0035335, MeSH D012175, MONDO:0008380, OMIM 180200, HP:0009919. Disease mechanism: loss of function. Inheritance: Both sporadic and heritable forms are tested..

Submission:

Genetic Diagnostic Laboratory, University of Pennsylvania School of Medicine
Classification: Uncertain significance for Retinoblastoma. Last evaluated: 2024-05-20. Review status: criteria provided, single submitter. Criteria: ACMG Guidelines, 2015. Collection method: clinical testing. Allele origin: germline. Affected: yes. Observed: 1 variant allele.
Comment: Case and Pedigree Information: BILATERAL CASES:1, UNILATERAL CASES:0, TOTAL CASES:1, PEDIGREES:1. ACMG Codes Applied:PM2